The following is an entry in ClinVar:

ClinVar aggregate classification (germline): Likely pathogenic (1 of 4 stars; one submission).

gnomAD v4.1: 22 of 1,614,216 alleles (0.0014%); highest among the groups gnomAD compares: Non-Finnish European, 0.0017%; no homozygotes.

Submission:

Labcorp Genetics (formerly Invitae), Labcorp
Classification: Likely pathogenic. Last evaluated: 2025-09-03. Review status: criteria provided, single submitter. Criteria: Invitae Variant Classification Sherloc (09022015). Collection method: clinical testing. Allele origin: germline.
Comment: This sequence change replaces isoleucine, which is neutral and non-polar, with threonine, which is neutral and polar, at codon 334 of the UROD protein (p.Ile334Thr). This variant is not present in population databases (gnomAD no frequency). This missense change has been observed in individual(s) with clinical features of familial porphyria cutanea tara and/or clinical features of UROD-related conditions (PMID: 8896428; internal data). Invitae Evidence Modeling of protein sequence and biophysical properties (such as structural, functional, and spatial information, amino acid conservation, physicochemical variation, residue mobility, and thermodynamic stability) indicates that this missense variant is expected to disrupt UROD protein function with a positive predictive value of 80%. In summary, the currently available evidence indicates that the variant is pathogenic, but additional data are needed to prove that conclusively. Therefore, this variant has been classified as Likely Pathogenic.

Literature cited by the submitters: PubMed 8896428.

NM_000374.5(UROD):c.1001T>C (p.Ile334Thr)

Gene: UROD (uroporphyrinogen decarboxylase; plus strand). Cytogenetic location: 1p34.1.
Variant type: single nucleotide variant.
Coding change: c.1001T>C on transcript NM_000374.5 (MANE Select); coding-DNA position 1001, T replaced by C.
Protein change: p.Ile334Thr; replaces isoleucine 334 with threonine.
Molecular consequence: missense variant. On other transcripts: non-coding transcript variant (3).
Genome position (GRCh38, 1-based): chr1:45,015,395, T>C. VCF-style: chr1-45015395-T-C. GRCh37 (hg19) VCF-style: chr1-45481067-T-C.
Other names: short protein forms I334T.
Identifiers: ClinVar variation 4746820 (VCV004746820.1).